The following is an entry in ClinVar:

NM_001376.5(DYNC1H1):c.2820dup (p.Asp941fs)

Gene: DYNC1H1 (dynein cytoplasmic 1 heavy chain 1; plus strand). Cytogenetic location: 14q32.31.
Variant type: Duplication.
Coding change: c.2820dup on transcript NM_001376.5 (MANE Select); coding-DNA position 2820, one base duplicated (A; older notation c.2820dupA).
Protein change: p.Asp941fs; shifts the reading frame from aspartic acid 941.
Molecular consequence: frameshift variant.
Genome position (GRCh38, 1-based): chr14:101,988,804, A duplicated. VCF-style (leftmost placement, unchanged base first): chr14-101988803-C-CA. GRCh37 (hg19) VCF-style: chr14-102455140-C-CA.
Other names: c.2820dupA (NM_001376.4); short protein forms D941fs.
Identifiers: ClinVar variation 646797 (VCV000646797.1), dbSNP rs1595602265, ClinGen allele CA915946461.

ClinVar aggregate classification (germline): Uncertain significance (1 of 4 stars; one submission).

Conditions:
Charcot-Marie-Tooth disease axonal type 2O. Also called: Charcot-Marie-Tooth Neuropathy Type 2O; CHARCOT-MARIE-TOOTH NEUROPATHY, AXONAL, TYPE 2O; CHARCOT-MARIE-TOOTH DISEASE, AXONAL, AUTOSOMAL DOMINANT, TYPE 2O; Charcot-Marie-Tooth disease, axonal, type 20. Identifiers: Orphanet 284232, MedGen C3280220, MONDO:0013644, OMIM 614228.

Submission:

Labcorp Genetics (formerly Invitae), Labcorp
Classification: Uncertain significance for Charcot-Marie-Tooth disease, axonal, type 2O. Last evaluated: 2018-11-08. Review status: criteria provided, single submitter. Criteria: Invitae Variant Classification Sherloc (09022015). Collection method: clinical testing. Allele origin: germline.
Comment: This sequence change creates a premature translational stop signal (p.Asp941Argfs*6) in the DYNC1H1 gene. It is expected to result in an absent or disrupted protein product. This variant is not present in population databases (ExAC no frequency). This variant has not been reported in the literature in individuals with DYNC1H1-related disease. The current clinical and genetic evidence is not sufficient to establish whether loss-of-function variants in DYNC1H1 cause disease. In summary, the available evidence is currently insufficient to determine the role of this variant in disease. Therefore, it has been classified as a Variant of Uncertain Significance.